The following is an entry in ClinVar:

NM_000302.4(PLOD1):c.1128C>T (p.Thr376=)

Gene: PLOD1 (procollagen-lysine,2-oxoglutarate 5-dioxygenase 1; plus strand). Cytogenetic location: 1p36.22.
Variant type: single nucleotide variant.
Coding change: c.1128C>T on transcript NM_000302.4 (MANE Select); coding-DNA position 1128, C replaced by T.
Protein change: p.Thr376=; no amino-acid change (threonine 376 retained).
Molecular consequence: synonymous variant.
Genome position (GRCh38, 1-based): chr1:11,963,562, C>T. VCF-style: chr1-11963562-C-T. GRCh37 (hg19) VCF-style: chr1-12023619-C-T.
Other names: c.1269C>T, p.Thr423= (NM_001316320.2).
Identifiers: ClinVar variation 513128 (VCV000513128.1), dbSNP rs1553136011, ClinGen allele CA416106965.

ClinVar aggregate classification (germline): Likely benign (1 of 4 stars; one submission).

Submission:

GeneDx
Classification: Likely benign. Last evaluated: 2017-11-07. Review status: criteria provided, single submitter. Criteria: GeneDx Variant Classification (06012015). Collection method: clinical testing. Allele origin: germline. Affected: yes.
Comment: This variant is considered likely benign or benign based on one or more of the following criteria: it is a conservative change, it occurs at a poorly conserved position in the protein, it is predicted to be benign by multiple in silico algorithms, and/or has population frequency not consistent with disease.